The following is an entry in ClinVar:

NM_001330360.2(POLA1):c.4407A>G (p.Ter1469=)

Gene: POLA1 (DNA polymerase alpha 1, catalytic subunit; plus strand). Cytogenetic location: Xp21.3.
Variant type: single nucleotide variant.
Coding change: c.4407A>G on transcript NM_001330360.2 (MANE Select); coding-DNA position 4407, A replaced by G.
Protein change: p.Ter1469=.
Molecular consequence: synonymous variant. On other transcripts: non-coding transcript variant (2).
Genome position (GRCh38, 1-based): chrX:24,995,950, A>G. VCF-style: chrX-24995950-A-G. GRCh37 (hg19) VCF-style: chrX-25014067-A-G.
Other names: c.4332A>G, p.Ter1444= (NM_001378303.1); c.4389A>G, p.Ter1463= (NM_016937.4).
Identifiers: ClinVar variation 1570084 (VCV001570084.10), dbSNP rs141613908, ClinGen allele CA10373753.

ClinVar aggregate classification (germline): Benign/Likely benign. Review status: criteria provided, multiple submitters, no conflicts (2 of 4 stars). 3 submissions from 3 submitters: Benign (1); Likely benign (2). Last evaluated 2026-03-25.

Allele frequency attached by ClinVar (database versions not stated): gnomAD exomes 0.00025; ExAC 0.00035; 1000 Genomes Project 30x 0.00062; ESP Exome Variant Server 0.00066; TOPMed 0.00071; gnomAD 0.00072 and 0.00075; 1000 Genomes Project 0.00079.
gnomAD v4.1: 139 of 1,205,398 alleles (0.012%); highest among the groups gnomAD compares: African/African-American, 0.23%; no homozygotes.

Submissions (3):

Women's Health and Genetics/Laboratory Corporation of America, LabCorp
Classification: Benign. Last evaluated: 2026-03-25. Review status: criteria provided, single submitter. Criteria: LabCorp Variant Classification Summary - May 2015. Collection method: clinical testing. Allele origin: germline.
Comment: Variant summary: POLA1 c.4389A>G alters a conserved nucleotide resulting in a synonymous change. Consensus agreement among computation tools predict no significant impact on normal splicing. However, these predictions have yet to be confirmed by functional studies. The variant allele was found at a frequency of 0.00025 in 179402 control chromosomes, predominantly at a frequency of 0.003 within the African or African-American subpopulation in the gnomAD database. The observed variant frequency within African or African-American control individuals in the gnomAD database exceeds the estimated maximal expected allele frequency for disease-causing variants in POLA1. To our knowledge, no occurrence of c.4389A>G in individuals affected with POLA1-related conditions and no experimental evidence demonstrating its impact on protein function have been reported. ClinVar contains an entry for this variant (Variation ID: 1570084). Based on the evidence outlined above, the variant was classified as benign.

Labcorp Genetics (formerly Invitae), Labcorp
Classification: Likely benign. Last evaluated: 2026-01-13. Review status: criteria provided, single submitter. Criteria: Invitae Variant Classification Sherloc (09022015). Collection method: clinical testing. Allele origin: germline.

Blueprint Genetics
Classification: Likely benign. Last evaluated: 2024-11-13. Review status: criteria provided, single submitter. Criteria: ACMG Guidelines, 2015. Collection method: clinical testing. Allele origin: germline.